The following is an entry in ClinVar:

NM_016169.4(SUFU):c.1429G>T (p.Val477Leu)

Gene: SUFU (SUFU negative regulator of hedgehog signaling; plus strand). Cytogenetic location: 10q24.32.
Variant type: single nucleotide variant.
Coding change: c.1429G>T on transcript NM_016169.4 (MANE Select); coding-DNA position 1429, G replaced by T.
Protein change: p.Val477Leu; replaces valine 477 with leucine.
Molecular consequence: missense variant.
Genome position (GRCh38, 1-based): chr10:102,630,129, G>T. VCF-style: chr10-102630129-G-T. GRCh37 (hg19) VCF-style: chr10-104389886-G-T.
Other names: short protein forms V477L.
Identifiers: ClinVar variation 2936502 (VCV002936502.3), dbSNP rs1060501117, ClinGen allele CA377921025.
Genomic context (GRCh38, chr10:102,630,129, plus strand): 5'-AAACTTCCCAAAGAGTACAGCTGGCCTGAAAAGAAGCTGAAGGTCTCCATCCTGCCTGAC[G>T]TGGTGTTCGACAGTCCGCTACACTAGCCTGGGCTGGGCCCTGCAGTGGCCAGCAGGGAGC-3'
Protein context (NP_057253.2, residues 467-484): KKLKVSILPD[Val477Leu]VFDSPLH

ClinVar aggregate classification (germline): Uncertain significance (1 of 4 stars; one submission).

Conditions:
Medulloblastoma (MDB). Also called: Medulloblastoma, somatic; MEDULLOBLASTOMA PREDISPOSITION SYNDROME. Identifiers: Orphanet 616, MedGen C0025149, MeSH D008527, MONDO:0007959, OMIM 155255, HP:0002885.
Gorlin syndrome. Also called: Basal cell nevus syndrome; Nevoid Basal Cell Carcinoma Syndrome. Identifiers: Orphanet 377, MedGen C0004779, MONDO:0007187.

Submission:

Labcorp Genetics (formerly Invitae), Labcorp
Classification: Uncertain significance for Gorlin syndrome; Medulloblastoma. Last evaluated: 2023-03-07. Review status: criteria provided, single submitter. Criteria: Invitae Variant Classification Sherloc (09022015). Collection method: clinical testing. Allele origin: germline.
Comment: This sequence change replaces valine, which is neutral and non-polar, with leucine, which is neutral and non-polar, at codon 477 of the SUFU protein (p.Val477Leu). This variant is not present in population databases (gnomAD no frequency). This variant has not been reported in the literature in individuals affected with SUFU-related conditions. An algorithm developed to predict the effect of missense changes on protein structure and function (PolyPhen-2) suggests that this variant is likely to be tolerated. In summary, the available evidence is currently insufficient to determine the role of this variant in disease. Therefore, it has been classified as a Variant of Uncertain Significance.